The following is an entry in ClinVar:

NM_033026.6(PCLO):c.3779A>G (p.Gln1260Arg)

Gene: PCLO (piccolo presynaptic cytomatrix protein; minus strand). Cytogenetic location: 7q21.11.
Variant type: single nucleotide variant.
Coding change: c.3779A>G on transcript NM_033026.6 (MANE Select); coding-DNA position 3779, A replaced by G.
Protein change: p.Gln1260Arg; replaces glutamine 1260 with arginine.
Molecular consequence: missense variant.
Genome position (GRCh38, 1-based): chr7:82,966,009, T>C on the plus strand (A>G on the coding strand, the complement: PCLO is on the minus strand). VCF-style: chr7-82966009-T-C. GRCh37 (hg19) VCF-style: chr7-82595325-T-C.
Other names: c.3779A>G, p.Gln1260Arg (NM_014510.3); c.3779A>G (NM_033026.5); short protein forms Q1260R.
Identifiers: ClinVar variation 1522629 (VCV001522629.4), dbSNP rs761419864, ClinGen allele CA4320962.
Genomic context (GRCh38, chr7:82,966,009, plus strand): 5'-ACTCTGCCTTCAAGCTTTTCTTCAGCAATTTGTACTTGAGATTTAAGTAAGTCATGTTTC[T>C]GTTCTTCTGGGGCTGATGTTTTTGCCTCTGGGAGTAGCTTTTTGTCTTCAGGGGTTGGCT-3'
Protein context (NP_149015.2, residues 1250-1270): PEAKTSAPEE[Gln1260Arg]KHDLLKSQVQ

ClinVar aggregate classification (germline): Uncertain significance. Review status: criteria provided, multiple submitters, no conflicts (2 of 4 stars). 2 submissions from 2 submitters: Uncertain significance (2). Last evaluated 2023-10-17.

Conditions:
Inborn genetic diseases. Identifiers: MedGen C0950123, MeSH D030342.

Allele frequency attached by ClinVar (database versions not stated): gnomAD exomes 0.00001; ExAC 0.00002; gnomAD 0.00005; TOPMed 0.00006.
gnomAD v4.1: 17 of 1,613,596 alleles (0.0011%); highest among the groups gnomAD compares: African/African-American, 0.012%; no homozygotes.

Submissions (2):

Ambry Genetics
Classification: Uncertain significance for Inborn genetic diseases. Last evaluated: 2023-10-17. Review status: criteria provided, single submitter. Criteria: Ambry Variant Classification Scheme 2023. Collection method: clinical testing. Allele origin: germline.

Labcorp Genetics (formerly Invitae), Labcorp
Classification: Uncertain significance. Last evaluated: 2022-09-27. Review status: criteria provided, single submitter. Criteria: Invitae Variant Classification Sherloc (09022015). Collection method: clinical testing. Allele origin: germline.
Comment: This sequence change replaces glutamine, which is neutral and polar, with arginine, which is basic and polar, at codon 1260 of the PCLO protein (p.Gln1260Arg). This variant is present in population databases (rs761419864, gnomAD 0.01%). This variant has not been reported in the literature in individuals affected with PCLO-related conditions. ClinVar contains an entry for this variant (Variation ID: 1522629). Algorithms developed to predict the effect of missense changes on protein structure and function output the following: SIFT: "Tolerated"; PolyPhen-2: "Not Available"; Align-GVGD: "Class C0". The arginine amino acid residue is found in multiple mammalian species, which suggests that this missense change does not adversely affect protein function. In summary, the available evidence is currently insufficient to determine the role of this variant in disease. Therefore, it has been classified as a Variant of Uncertain Significance.